The following is an entry in ClinVar:

ClinVar aggregate classification (germline): Uncertain significance (1 of 4 stars; one submission).

Submission:

GeneDx
Classification: Uncertain significance. Last evaluated: 2024-12-04. Review status: criteria provided, single submitter. Criteria: GeneDx Variant Classification Process June 2021. Collection method: clinical testing. Allele origin: germline. Affected: yes.
Comment: Not observed at significant frequency in large population cohorts (gnomAD); In silico analysis supports that this missense variant has a deleterious effect on protein structure/function; Has not been previously published as pathogenic or benign to our knowledge

NM_004817.4(TJP2):c.413G>C (p.Arg138Pro)

Gene: TJP2 (tight junction protein 2; plus strand). Cytogenetic location: 9q21.11.
Variant type: single nucleotide variant.
Coding change: c.413G>C on transcript NM_004817.4 (MANE Select); coding-DNA position 413, G replaced by C.
Protein change: p.Arg138Pro; replaces arginine 138 with proline.
Molecular consequence: missense variant.
Genome position (GRCh38, 1-based): chr9:69,220,957, G>C. VCF-style: chr9-69220957-G-C. GRCh37 (hg19) VCF-style: chr9-71835873-G-C.
Other names: c.344G>C, p.Arg115Pro (NM_001170414.2, NM_001369870.1, NM_001369871.1); c.425G>C, p.Arg142Pro (NM_001170415.1, NM_001369874.1, NM_001369875.1); c.506G>C, p.Arg169Pro (NM_001170416.2); c.413G>C, p.Arg138Pro (NM_001369872.1, NM_001369873.1, NM_201629.3); short protein forms R115P, R138P, R142P, R169P.
Identifiers: ClinVar variation 3901691 (VCV003901691.1).